The following is an entry in ClinVar:

NM_005591.4(MRE11):c.1015A>G (p.Lys339Glu)

Gene: MRE11 (MRE11 double strand break repair nuclease; minus strand). Cytogenetic location: 11q21.
Variant type: single nucleotide variant.
Coding change: c.1015A>G on transcript NM_005591.4 (MANE Select); coding-DNA position 1015, A replaced by G.
Protein change: p.Lys339Glu; replaces lysine 339 with glutamic acid.
Molecular consequence: missense variant.
Genome position (GRCh38, 1-based): chr11:94,470,473, T>C on the plus strand (A>G on the coding strand, the complement: MRE11 is on the minus strand). VCF-style: chr11-94470473-T-C. GRCh37 (hg19) VCF-style: chr11-94203639-T-C.
Other names: c.1015A>G, p.Lys339Glu (NM_001330347.2, NM_001440460.1, NM_001440461.1 and 18 more transcripts); c.940A>G, p.Lys314Glu (NM_001440471.1, NM_001440472.1, NM_001440479.1); c.670A>G, p.Lys224Glu (NM_001440482.1, NM_001440483.1, NM_001440484.1); c.547A>G, p.Lys183Glu (NM_001440485.1, NM_001440486.1, NM_001440487.1); short protein forms K224E, K314E, K183E, K339E.
Identifiers: ClinVar variation 4110070 (VCV004110070.1).
Genomic context (GRCh38, chr11:94,470,473, plus strand): 5'-GAAGGTGAATAATTCTTCAACTAAAGTAGATCTCATTGACTTTATCAAAAAGAATTACCT[T>C]CTCCAAACAGAAGCTTTGTATGGCTTGGGTTACTTTAGGATTATCTGGGTTAAAAATGTC-3'
Protein context (NP_005582.1, residues 329-349): TQAIQSFCLE[Lys339Glu]IEEMLENAER

ClinVar aggregate classification (germline): Uncertain significance (1 of 4 stars; one submission).

Conditions:
Hereditary cancer-predisposing syndrome. Also called: Tumor predisposition; Neoplastic Syndromes, Hereditary; Hereditary neoplastic syndrome; Hereditary Cancer Syndrome. Identifiers: Orphanet 140162, MedGen C0027672, MeSH D009386, MONDO:0015356.

Submission:

Ambry Genetics
Classification: Uncertain significance for Hereditary cancer-predisposing syndrome. Last evaluated: 2025-06-19. Review status: criteria provided, single submitter. Criteria: Ambry Variant Classification Scheme 2023. Collection method: clinical testing. Allele origin: germline.
Comment: The p.K339E variant (also known as c.1015A>G), located in coding exon 8 of the MRE11A gene, results from an A to G substitution at nucleotide position 1015. The lysine at codon 339 is replaced by glutamic acid, an amino acid with similar properties. This amino acid position is conserved. In addition, this alteration is predicted to be deleterious by in silico analysis. Based on the available evidence, the clinical significance of this variant remains unclear.